The following is an entry in ClinVar:

NM_001358530.2(MOCS1):c.1367A>T (p.Asp456Val)

Gene: MOCS1 (molybdenum cofactor synthesis 1; minus strand). Cytogenetic location: 6p21.2.
Variant type: single nucleotide variant.
Coding change: c.1367A>T on transcript NM_001358530.2 (MANE Select); coding-DNA position 1367, A replaced by T.
Protein change: p.Asp456Val; replaces aspartic acid 456 with valine.
Molecular consequence: missense variant. On other transcripts: 3 prime UTR variant (4), non-coding transcript variant (1).
Genome position (GRCh38, 1-based): chr6:39,906,901, T>A on the plus strand (A>T on the coding strand, the complement: MOCS1 is on the minus strand). VCF-style: chr6-39906901-T-A. GRCh37 (hg19) VCF-style: chr6-39874677-T-A.
Other names: c.*224A>T (NM_001075098.4, NM_001358533.2, NM_001358534.2 and 1 more transcripts); c.1319A>T, p.Asp440Val (NM_001358529.2); c.1106A>T, p.Asp369Val (NM_001358531.2); short protein forms D456V, D440V, D369V.
Identifiers: ClinVar variation 356647 (VCV000356647.6), dbSNP rs143730711, ClinGen allele CA3795959.
Genomic context (GRCh38, chr6:39,906,901, plus strand): 5'-TGGGGTCCTGAGGGGGCAGCAGAAGCCCAGGAACCTGGGCTAAGGCACTTTGAGTTGGCA[T>A]CTGAGTCTGCACGGGAAGTGTAGTGTCTCTGAAAGGAGCCAGACCCCAGCCGCTGCTGGG-3'
Protein context (NP_001345459.1, residues 446-466): QRHYTSRADS[Asp456Val]ANSKCLSPGS

ClinVar aggregate classification (germline): Uncertain significance. Review status: criteria provided, multiple submitters, no conflicts (2 of 4 stars). 2 submissions from 2 submitters: Uncertain significance (2). Last evaluated 2022-04-21.

Conditions:
Sulfite oxidase deficiency due to molybdenum cofactor deficiency type A. Also called: Molybdenum cofactor deficiency, complementation group A; Molybdenum Cofactor Deficiency A. Identifiers: Orphanet 308386, Orphanet 833, MedGen C1854988, MONDO:0009643, OMIM 252150.

Allele frequency attached by ClinVar (database versions not stated): gnomAD 0.00001; gnomAD exomes 0.00001; ExAC 0.00002; TOPMed 0.00003; ESP Exome Variant Server 0.00008; 1000 Genomes Project 30x 0.00016; 1000 Genomes Project 0.00020.
gnomAD v4.1: 102 of 1,614,192 alleles (0.0063%); highest among the groups gnomAD compares: Non-Finnish European, 0.0085%; no homozygotes.

Submissions (2):

Labcorp Genetics (formerly Invitae), Labcorp
Classification: Uncertain significance for Sulfite oxidase deficiency due to molybdenum cofactor deficiency type A. Last evaluated: 2022-04-21. Review status: criteria provided, single submitter. Criteria: Invitae Variant Classification Sherloc (09022015). Collection method: clinical testing. Allele origin: germline.
Comment: This sequence change replaces aspartic acid, which is acidic and polar, with valine, which is neutral and non-polar, at codon 456 of the MOCS1 protein (p.Asp456Val). This variant is present in population databases (rs143730711, gnomAD 0.003%). This variant has not been reported in the literature in individuals affected with MOCS1-related conditions. ClinVar contains an entry for this variant (Variation ID: 356647). Algorithms developed to predict the effect of missense changes on protein structure and function are either unavailable or do not agree on the potential impact of this missense change (SIFT: "Not Available"; PolyPhen-2: "Benign"; Align-GVGD: "Not Available"). In summary, the available evidence is currently insufficient to determine the role of this variant in disease. Therefore, it has been classified as a Variant of Uncertain Significance.

Illumina Laboratory Services, Illumina
Classification: Uncertain significance for Sulfite oxidase deficiency due to molybdenum cofactor deficiency type A. Last evaluated: 2018-01-12. Review status: criteria provided, single submitter. Criteria: ICSL Variant Classification Criteria 13 December 2019. Collection method: clinical testing. Allele origin: germline.